The following is an entry in ClinVar:

ClinVar aggregate classification (germline): Uncertain significance (1 of 4 stars; one submission).

Submission:

GeneDx
Classification: Uncertain significance. Last evaluated: 2025-05-19. Review status: criteria provided, single submitter. Criteria: GeneDx Variant Classification Process June 2021. Collection method: clinical testing. Allele origin: germline. Affected: yes.
Comment: Reported using an alternate transcript of the gene; Not observed at significant frequency in large population cohorts (gnomAD); In silico analysis does not support a benign or deleterious effect of this variant on protein structure/function; Has not been previously published as pathogenic or benign to our knowledge

NM_001281775.3(ZMYND8):c.2336A>G (p.Glu779Gly)

Gene: ZMYND8 (zinc finger MYND-type containing 8; minus strand). Cytogenetic location: 20q13.12.
Variant type: single nucleotide variant.
Coding change: c.2336A>G on transcript NM_001281775.3 (MANE Select); coding-DNA position 2336, A replaced by G.
Protein change: p.Glu779Gly; replaces glutamic acid 779 with glycine.
Molecular consequence: missense variant. On other transcripts: intron variant (2).
Genome position (GRCh38, 1-based): chr20:47,239,087, T>C on the plus strand (A>G on the coding strand, the complement: ZMYND8 is on the minus strand). VCF-style: chr20-47239087-T-C. GRCh37 (hg19) VCF-style: chr20-45867831-T-C.
Other names: c.2276A>G, p.Glu759Gly (NM_001281772.3, NM_001281773.3, NM_001281774.3 and 1 more transcripts); c.2261A>G, p.Glu754Gly (NM_001281777.3, NM_001281778.3, NM_001281782.3 and 1 more transcripts); c.1532A>G, p.Glu511Gly (NM_001281779.3, NM_001281780.3); c.2120A>G, p.Glu707Gly (NM_001281781.3, NM_001281784.3); c.2336A>G, p.Glu779Gly (NM_001281783.3, NM_012408.6, NM_183047.4); c.2357A>G, p.Glu786Gly (NM_001363714.1); c.2210-2571A>G (NM_001281771.3); c.2285-2571A>G (NM_001281776.3); short protein forms E511G, E707G, E754G, E759G, E779G, E786G.
Identifiers: ClinVar variation 4531105 (VCV004531105.1).
Genomic context (GRCh38, chr20:47,239,087, plus strand): 5'-GTGGTGGCTGTGGCGCCAGCCGCGGAAGTTTGGGCGGAAGAGCGGGTGAGCACCGGTGTT[T>C]CCGGGGGAGAATGGCTGCCCACCGTCGTGGATGGTGGAGTTTTACCTACAACTAGCCAAT-3'
Protein context (NP_001268704.1, residues 769-789): STTVGSHSPP[Glu779Gly]TPVLTRSSAQ